The following is an entry in ClinVar:

ClinVar aggregate classification (germline): Benign (1 of 4 stars; one submission).

gnomAD v4.1: 236 of 271,728 alleles (0.087%); highest among the groups gnomAD compares: East Asian, 1.7%; 3 homozygotes.

Submission:

CeGaT Center for Human Genetics Tuebingen
Classification: Benign. Last evaluated: 2026-03-01. Review status: criteria provided, single submitter. Criteria: CeGaT Center For Human Genetics Tuebingen Variant Classification Criteria Version 2. Collection method: clinical testing. Allele origin: germline. Affected: yes. Observed: 1 variant allele.
Comment: ANGPTL3: BS1, BS2; DOCK7: BS1, BS2

NM_014495.4(ANGPTL3):c.*282T>A

Genes: ANGPTL3 (angiopoietin like 3; plus strand), DOCK7 (dedicator of cytokinesis 7; minus strand). Cytogenetic location: 1p31.3.
Variant type: single nucleotide variant.
Coding change: c.*282T>A on transcript NM_014495.4 (MANE Select); 282 bases downstream of the stop codon, T replaced by A.
Molecular consequence: 3 prime UTR variant. On other transcripts: intron variant (7).
Genome position (GRCh38, 1-based): chr1:62,605,099, T>A. VCF-style: chr1-62605099-T-A. GRCh37 (hg19) VCF-style: chr1-63070770-T-A.
Other names: c.1682+13607A>T (NM_001272001.2, NM_001272000.2, NM_033407.4 and 4 more transcripts).
Identifiers: ClinVar variation 4822650 (VCV004822650.4).